The following is an entry in ClinVar:

ClinVar aggregate classification (germline): Uncertain significance (1 of 4 stars; one submission).

Conditions:
Dilated cardiomyopathy 1HH (CMD1HH). Identifiers: Orphanet 154, MedGen C3151293, MONDO:0013479, OMIM 613881.
Myofibrillar myopathy 6. Identifiers: Orphanet 199340, MedGen C2751831, MONDO:0013061, OMIM 612954.

Allele frequency attached by ClinVar (database versions not stated): gnomAD exomes below 0.00001; ExAC 0.00001.

Submission:

Labcorp Genetics (formerly Invitae), Labcorp
Classification: Uncertain significance for Dilated cardiomyopathy 1HH; Myofibrillar myopathy 6. Last evaluated: 2019-12-27. Review status: criteria provided, single submitter. Criteria: Invitae Variant Classification Sherloc (09022015). Collection method: clinical testing. Allele origin: germline.
Comment: This variant is present in population databases (rs766444344, ExAC 0.002%). In summary, the available evidence is currently insufficient to determine the role of this variant in disease. Therefore, it has been classified as a Variant of Uncertain Significance. Algorithms developed to predict the effect of missense changes on protein structure and function are either unavailable or do not agree on the potential impact of this missense change (SIFT: "Tolerated"; PolyPhen-2: "Possibly Damaging"; Align-GVGD: "Class C0"). This variant has not been reported in the literature in individuals with BAG3-related conditions. This sequence change replaces valine with alanine at codon 246 of the BAG3 protein (p.Val246Ala). The valine residue is moderately conserved and there is a small physicochemical difference between valine and alanine.

NM_004281.4(BAG3):c.737T>C (p.Val246Ala)

Gene: BAG3 (BAG cochaperone 3; plus strand). Cytogenetic location: 10q26.11.
Variant type: single nucleotide variant.
Coding change: c.737T>C on transcript NM_004281.4 (MANE Select); coding-DNA position 737, T replaced by C.
Protein change: p.Val246Ala; replaces valine 246 with alanine.
Molecular consequence: missense variant.
Genome position (GRCh38, 1-based): chr10:119,672,484, T>C. VCF-style: chr10-119672484-T-C. GRCh37 (hg19) VCF-style: chr10-121431996-T-C.
Other names: short protein forms V246A.
Identifiers: ClinVar variation 851396 (VCV000851396.10), dbSNP rs766444344, ClinGen allele CA5716404.